The following is an entry in ClinVar:

NM_000540.3(RYR1):c.10868T>G (p.Leu3623Arg)

Gene: RYR1 (ryanodine receptor 1; plus strand). Cytogenetic location: 19q13.2.
Variant type: single nucleotide variant.
Coding change: c.10868T>G on transcript NM_000540.3 (MANE Select); coding-DNA position 10868, T replaced by G.
Protein change: p.Leu3623Arg; replaces leucine 3623 with arginine.
Molecular consequence: missense variant.
Genome position (GRCh38, 1-based): chr19:38,528,349, T>G. VCF-style: chr19-38528349-T-G. GRCh37 (hg19) VCF-style: chr19-39018989-T-G.
Other names: c.10853T>G, p.Leu3618Arg (NM_001042723.2); short protein forms L3618R, L3623R.
Identifiers: ClinVar variation 2583180 (VCV002583180.1), dbSNP rs2145722559, ClinGen allele CA405649424.

ClinVar aggregate classification (germline): Uncertain significance (1 of 4 stars; one submission).

Conditions:
Central core myopathy (CMYO1A). Also called: CONGENITAL MYOPATHY 1A, AUTOSOMAL DOMINANT, WITH SUSCEPTIBILITY TO MALIGNANT HYPERTHERMIA; Central core disease; Myopathy, central fibrillar. Identifiers: Orphanet 597, MedGen C5830701, MONDO:0007294, OMIM 117000.

Submission:

Diagnostics Services (NGS), CSIR - Centre For Cellular And Molecular Biology
Classification: Uncertain significance for Central core myopathy. Last evaluated: 2023-10-06. Review status: criteria provided, single submitter. Criteria: ACMG Guidelines, 2015. Collection method: clinical testing. Allele origin: unknown. Affected: yes. Observed: 1 variant allele, 1 heterozygote.
Comment: The c.10868T>G variant is not present in publicly available population databases like 1000 Genomes, EVS, ExAC, gnomAD, Indian Exome Database or our in-house exome database. This variant has neither been published in literature nor reported to the clinical databases like ClinVar, Human Genome Mutation Database (HGMD) or OMIM, in any affected individuals. In silico pathogenicity prediction programs like SIFT, PolyPhen2, MutationTaster2, CADD etc predicted this variant to be likely deleterious, however these predictions were not confirmed by published functional studies.